The following is an entry in ClinVar:

NM_001042432.2(CLN3):c.242C>T (p.Pro81Leu)

Gene: CLN3 (CLN3 lysosomal/endosomal transmembrane protein, battenin; minus strand). Cytogenetic location: 16p12.1.
Variant type: single nucleotide variant.
Coding change: c.242C>T on transcript NM_001042432.2 (MANE Select); coding-DNA position 242, C replaced by T.
Protein change: p.Pro81Leu; replaces proline 81 with leucine.
Molecular consequence: missense variant. On other transcripts: nonsense (1), intron variant (2).
Genome position (GRCh38, 1-based): chr16:28,488,643, G>A on the plus strand (C>T on the coding strand, the complement: CLN3 is on the minus strand). VCF-style: chr16-28488643-G-A. GRCh37 (hg19) VCF-style: chr16-28499964-G-A.
Other names: p.P81L:CCG>CTG; c.242C>T, p.Pro81Leu (NM_000086.2); c.22C>T, p.Arg8Ter (NM_001286105.2); c.80C>T, p.Pro27Leu (NM_001286110.2); c.60+647C>T (NM_001286109.2); c.222+647C>T (NM_001286104.2); short protein forms P81L, R8*, P27L.
Identifiers: ClinVar variation 205105 (VCV000205105.80), dbSNP rs137906617, ClinGen allele CA313772.

ClinVar aggregate classification (germline): Conflicting classifications of pathogenicity. Review status: criteria provided, conflicting classifications (1 of 4 stars). 17 submissions from 17 submitters: Uncertain significance (9); Likely benign (4). 4 of the submissions do not count toward it. Last evaluated 2026-07-28.

Conditions:
CLN3-related disorder. Also called: CLN3-related condition. Identifiers: MedGen CN382248.
Inborn genetic diseases. Identifiers: MedGen C0950123, MeSH D030342.
Neuronal ceroid lipofuscinosis. Also called: Neuronal Ceroid Lipofuscinoses. Identifiers: Orphanet 216, Orphanet 79263, MedGen C0027877, MONDO:0016295. Disease mechanism: loss of function.
Neuronal ceroid lipofuscinosis 3 (CLN3). Identifiers: Orphanet 228346, MedGen C0751383, MONDO:0008767, OMIM 204200.
Progressive myoclonic epilepsy type 3. Also called: EPILEPSY, PROGRESSIVE MYOCLONIC, 3, WITHOUT INTRACELLULAR INCLUSIONS; EPILEPSY, PROGRESSIVE MYOCLONIC, 3, WITH OR WITHOUT INTRACELLULAR INCLUSIONS; CEROID LIPOFUSCINOSIS, NEURONAL, 14; KCTD7-Related Progressive Myoclonic Epilepsy. Identifiers: Orphanet 263516, MedGen C2673257, MONDO:0012721, OMIM 611726.
Retinal disorder. Also called: Retinopathy; Retinopathies; Retinal Diseases; Retinal disorders. Identifiers: MedGen C0035309, MONDO:0005283, HP:0000488.

Allele frequency attached by ClinVar (database versions not stated): gnomAD 0.00029 and 0.00033; TOPMed 0.00030; gnomAD exomes 0.00033 and 0.00059; ESP Exome Variant Server 0.00046; ExAC 0.00061; 1000 Genomes Project 30x 0.00109; 1000 Genomes Project 0.00120.
gnomAD v4.1: 567 of 1,614,136 alleles (0.035%); highest among the groups gnomAD compares: Middle Eastern, 0.25%; 2 homozygotes.

Submissions (17):

Genetics Laboratory, Great Ormond Street Hospital NHS Foundation Trust, North Thames Genomic Laboratory Hub
Classification: Uncertain significance for Retinal disorders. Last evaluated: 2026-07-28. Review status: criteria provided, single submitter. Criteria: ACGS Best Practice Guidelines for Variant Classification in Rare Disease 2024 v1.2. Collection method: clinical testing. Allele origin: germline. Affected: yes.
Comment: BS2_strong, PVS1_very-strong

CeGaT Center for Human Genetics Tuebingen
Classification: Likely benign. Last evaluated: 2026-03-01. Review status: criteria provided, single submitter. Criteria: CeGaT Center For Human Genetics Tuebingen Variant Classification Criteria Version 2. Collection method: clinical testing. Allele origin: germline. Affected: yes. Observed: 2 variant alleles.
Comment: CLN3: BP4, BS2

Labcorp Genetics (formerly Invitae), Labcorp
Classification: Likely benign for Neuronal ceroid lipofuscinosis. Last evaluated: 2026-02-02. Review status: criteria provided, single submitter. Criteria: Invitae Variant Classification Sherloc (09022015). Collection method: clinical testing. Allele origin: germline.

PreventionGenetics, part of Exact Sciences
Classification: Likely benign for CLN3-related condition. Last evaluated: 2026-01-29. Review status: criteria provided, single submitter. Criteria: ACMG Guidelines, 2015. Collection method: clinical testing. Allele origin: germline.
Comment: This variant is classified as likely benign based on ACMG/AMP sequence variant interpretation guidelines (Richards et al. 2015 PMID: 25741868, with internal and published modifications).

GeneDx
Classification: Uncertain significance. Last evaluated: 2025-07-16. Review status: criteria provided, single submitter. Criteria: GeneDx Variant Classification Process June 2021. Collection method: clinical testing. Allele origin: germline. Affected: yes.
Comment: Has not been previously published as pathogenic or benign to our knowledge; In silico analysis supports that this missense variant has a deleterious effect on protein structure/function

Mayo Clinic Laboratories, Mayo Clinic
Classification: Likely benign. Last evaluated: 2025-07-16. Review status: criteria provided, single submitter. Criteria: ACMG Guidelines, 2015. Collection method: clinical testing. Allele origin: germline. Observed: 6 variant alleles.
Comment: BS1

Blueprint Genetics
Classification: Uncertain significance. Last evaluated: 2024-11-08. Review status: criteria provided, single submitter. Criteria: ACMG Guidelines, 2015. Collection method: clinical testing. Allele origin: germline.

Genomic Research Center, Shahid Beheshti University of Medical Sciences
Classification: Uncertain significance for Epilepsy, progressive myoclonic 3. Last evaluated: 2022-12-24. Review status: criteria provided, single submitter. Criteria: ACMG Guidelines, 2015. Collection method: clinical testing. Allele origin: unknown. Affected: no.

Genome-Nilou Lab
Classification: Uncertain significance for Neuronal ceroid lipofuscinosis 3. Last evaluated: 2021-08-10. Review status: criteria provided, single submitter. Criteria: ACMG Guidelines, 2015. Collection method: clinical testing. Allele origin: germline. Affected: no.

New York Genome Center
Classification: Uncertain significance for Neuronal ceroid lipofuscinosis 3. Last evaluated: 2020-05-15. Review status: criteria provided, single submitter. Criteria: NYGC Assertion Criteria 2020. Collection method: clinical testing. Allele origin: germline. Observed: 1 heterozygote. Study: CSER-NYCKidSeq.

Illumina Laboratory Services, Illumina
Classification: Uncertain significance for Neuronal ceroid lipofuscinosis 3. Last evaluated: 2018-01-13. Review status: criteria provided, single submitter. Criteria: ICSL Variant Classification Criteria 13 December 2019. Collection method: clinical testing. Allele origin: germline.

Ambry Genetics
Classification: Uncertain significance for Inborn genetic diseases. Last evaluated: 2016-08-04. Review status: criteria provided, single submitter. Criteria: Ambry Variant Classification Scheme 2023. Collection method: clinical testing. Allele origin: germline.
Comment: The p.P81L variant (also known as c.242C>T), located in coding exon 4 of the CLN3 gene, results from a C to T substitution at nucleotide position 242. The proline at codon 81 is replaced by leucine, an amino acid with similar properties. This amino acid position is well conserved in available vertebrate species. In addition, the in silico prediction for this alteration is inconclusive. Since supporting evidence is limited at this time, the clinical significance of this variant remains unclear.

Eurofins Ntd Llc (ga)
Classification: Uncertain significance. Last evaluated: 2016-02-22. Review status: criteria provided, single submitter. Criteria: EGL Classification Definitions 2015. Collection method: clinical testing. Allele origin: germline. Observed: 2 variant alleles, 2 heterozygotes.

Natera, Inc.
Classification: Uncertain significance for Neuronal ceroid lipofuscinosis. Last evaluated: 2017-04-21. Review status: no assertion criteria provided. Collection method: clinical testing. Allele origin: germline. Not counted in ClinVar's aggregate classification.

Clinical Genetics DNA and cytogenetics Diagnostics Lab, Erasmus MC, Erasmus Medical Center
Classification: Uncertain significance. Review status: no assertion criteria provided. Collection method: clinical testing. Allele origin: germline. Affected: yes. Study: VKGL Data-share Consensus. Not counted in ClinVar's aggregate classification.

Clinical Genetics, Academic Medical Center
Classification: Uncertain significance. Review status: no assertion criteria provided. Collection method: clinical testing. Allele origin: germline. Affected: yes. Study: VKGL Data-share Consensus. Not counted in ClinVar's aggregate classification.

Genome Diagnostics Laboratory, Amsterdam University Medical Center
Classification: Uncertain significance. Review status: no assertion criteria provided. Collection method: clinical testing. Allele origin: germline. Affected: yes. Study: VKGL Data-share Consensus. Not counted in ClinVar's aggregate classification.